The following is an entry in ClinVar:

ClinVar aggregate classification (germline): Uncertain significance. Review status: reviewed by expert panel (3 of 4 stars). 3 submissions from 3 submitters: Uncertain significance (1). 2 of the submissions do not count toward it. Last evaluated 2025-01-15.

Conditions:
Hereditary thrombocytopenia and hematologic cancer predisposition syndrome. Identifiers: Orphanet 71290, MedGen CN281654, MONDO:0011071.
Inborn genetic diseases. Identifiers: MedGen C0950123, MeSH D030342.
Hereditary thrombocytopenia and hematological cancer predisposition syndrome associated with RUNX1. Also called: RUNX1 Familial Platelet Disorder with Associated Myeloid Malignancies; Familial Platelet Disorder with Propensity to Acute Myelogenous Leukemia; Familial thrombocytopenia with propensity to acute myelogenous leukemia; PLATELET DISORDER, ASPIRIN-LIKE. Identifiers: Orphanet 71290, MedGen C1832388, MeSH C563324, MONDO:0100083, OMIM 601399.

Allele frequency attached by ClinVar (database versions not stated): gnomAD exomes below 0.00001; TOPMed below 0.00001.
gnomAD v4.1: 4 of 1,614,154 alleles (0.00025%); highest among the groups gnomAD compares: Non-Finnish European, 0.00034%; no homozygotes.

Submissions (3):

ClinGen Myeloid Malignancy Variant Curation Expert Panel
Classification: Uncertain significance for Hereditary thrombocytopenia and hematologic cancer predisposition syndrome. Last evaluated: 2025-01-15. Review status: reviewed by expert panel. Criteria: ClinGen MyeloMalig ACMG Specifications v2. Collection method: curation. Allele origin: germline. Inheritance: Autosomal dominant inheritance.
Comment: NM_001754.5(RUNX1):c.854A>G (p.Tyr285Cys) is a missense variant which does not meet any ACMG/AMP criteria. In summary, the clinical significance of this variant is uncertain. ACMG/AMP criteria applied, as specified by the Myeloid Malignancy Variant Curation Expert Panel for RUNX1: None

Labcorp Genetics (formerly Invitae), Labcorp
Classification: Uncertain significance for Hereditary thrombocytopenia and hematological cancer predisposition syndrome associated with RUNX1. Last evaluated: 2026-01-06. Review status: criteria provided, single submitter. Criteria: Invitae Variant Classification Sherloc (09022015). Collection method: clinical testing. Allele origin: germline. Not counted in ClinVar's aggregate classification.
Comment: This sequence change replaces tyrosine, which is neutral and polar, with cysteine, which is neutral and slightly polar, at codon 285 of the RUNX1 protein (p.Tyr285Cys). This variant is present in population databases (no rsID available, gnomAD 0.0009%). This variant has not been reported in the literature in individuals affected with RUNX1-related conditions. ClinVar contains an entry for this variant (Variation ID: 1512844). Invitae Evidence Modeling of protein sequence and biophysical properties (such as structural, functional, and spatial information, amino acid conservation, physicochemical variation, residue mobility, and thermodynamic stability) has been performed for this missense variant. However, the output from this modeling did not meet the statistical confidence thresholds required to predict the impact of this variant on RUNX1 protein function. In summary, the available evidence is currently insufficient to determine the role of this variant in disease. Therefore, it has been classified as a Variant of Uncertain Significance.

Ambry Genetics
Classification: Uncertain significance for Inborn genetic diseases. Last evaluated: 2025-04-17. Review status: criteria provided, single submitter. Criteria: Ambry Variant Classification Scheme 2023. Collection method: clinical testing. Allele origin: germline. Not counted in ClinVar's aggregate classification.
Comment: The p.Y285C variant (also known as c.854A>G), located in coding exon 7 of the RUNX1 gene, results from an A to G substitution at nucleotide position 854. The tyrosine at codon 285 is replaced by cysteine, an amino acid with highly dissimilar properties. This amino acid position is highly conserved in available vertebrate species. In addition, this alteration is predicted to be deleterious by in silico analysis. Based on the available evidence, the clinical significance of this variant remains unclear.

NM_001754.5(RUNX1):c.854A>G (p.Tyr285Cys)

Gene: RUNX1 (RUNX family transcription factor 1; minus strand). Cytogenetic location: 21q22.12.
Variant type: single nucleotide variant.
Coding change: c.854A>G on transcript NM_001754.5 (MANE Select); coding-DNA position 854, A replaced by G.
Protein change: p.Tyr285Cys; replaces tyrosine 285 with cysteine.
Molecular consequence: missense variant.
Genome position (GRCh38, 1-based): chr21:34,799,414, T>C on the plus strand (A>G on the coding strand, the complement: RUNX1 is on the minus strand). VCF-style: chr21-34799414-T-C. GRCh37 (hg19) VCF-style: chr21-36171711-T-C.
Other names: NM_001754.5(RUNX1):c.854A>G; p.Tyr285Cys; c.773A>G, p.Tyr258Cys (NM_001001890.3); c.854A>G (NM_001754.4); short protein forms Y285C, Y258C.
Identifiers: ClinVar variation 1512844 (VCV001512844.10), dbSNP rs1191218095, ClinGen allele CA410150149.